The following is an entry in ClinVar:

NM_000548.5(TSC2):c.1735C>A (p.Pro579Thr)

Gene: TSC2 (TSC complex subunit 2; plus strand). Cytogenetic location: 16p13.3.
Variant type: single nucleotide variant.
Coding change: c.1735C>A on transcript NM_000548.5 (MANE Select); coding-DNA position 1735, C replaced by A.
Protein change: p.Pro579Thr; replaces proline 579 with threonine.
Molecular consequence: missense variant.
Genome position (GRCh38, 1-based): chr16:2,070,474, C>A. VCF-style: chr16-2070474-C-A. GRCh37 (hg19) VCF-style: chr16-2120475-C-A.
Other names: c.1735C>A, p.Pro579Thr (NM_001077183.3, NM_001114382.3, NM_001363528.2 and 3 more transcripts); c.1624C>A, p.Pro542Thr (NM_001318827.2); c.1588C>A, p.Pro530Thr (NM_001318829.2); c.1135C>A, p.Pro379Thr (NM_001318831.2); c.1768C>A, p.Pro590Thr (NM_001318832.2); short protein forms P590T, P530T, P579T, P379T, P542T.
Identifiers: ClinVar variation 941133 (VCV000941133.12), dbSNP rs45517196, ClinGen allele CA394272714.
Genomic context (GRCh38, chr16:2,070,474, plus strand): 5'-TTCACCTCCTGCGCCGTGGTGAGCTGCGTCCTCTCTCTGCAGACCAAGCTGTACACCCTG[C>A]CTGCAAGCCACGCCACGCGTGTGTATGAGATGCTGGTCAGCCACATTCAGCTCCACTACA-3'
Protein context (NP_000539.2, residues 569-589): VILQTKLYTL[Pro579Thr]ASHATRVYEM

ClinVar aggregate classification (germline): Uncertain significance. Review status: criteria provided, multiple submitters, no conflicts (2 of 4 stars). 3 submissions from 3 submitters: Uncertain significance (3). Last evaluated 2026-04-29.

Conditions:
Hereditary cancer-predisposing syndrome. Also called: Hereditary Cancer Syndrome; Hereditary neoplastic syndrome; Tumor predisposition; Neoplastic Syndromes, Hereditary. Identifiers: Orphanet 140162, MedGen C0027672, MeSH D009386, MONDO:0015356.
Tuberous sclerosis 2 (TSC2). Identifiers: Orphanet 805, MedGen C1860707, MONDO:0013199, OMIM 613254.

Submissions (3):

Ambry Genetics
Classification: Uncertain significance for Hereditary cancer-predisposing syndrome. Last evaluated: 2026-04-29. Review status: criteria provided, single submitter. Criteria: Ambry Variant Classification Scheme 2023. Collection method: clinical testing. Allele origin: germline.
Comment: The p.P579T variant (also known as c.1735C>A), located in coding exon 16 of the TSC2 gene, results from a C to A substitution at nucleotide position 1735. The proline at codon 579 is replaced by threonine, an amino acid with highly similar properties. This amino acid position is highly conserved in available vertebrate species. In addition, this alteration is predicted to be deleterious by in silico analysis. Based on the available evidence, the clinical significance of this variant remains unclear.

GeneDx
Classification: Uncertain significance. Last evaluated: 2026-04-22. Review status: criteria provided, single submitter. Criteria: GeneDx Variant Classification Process June 2021. Collection method: clinical testing. Allele origin: germline.
Comment: Not observed at significant frequency in large population cohorts (gnomAD); In silico analysis supports that this missense variant has a deleterious effect on protein structure/function; Has not been previously published as pathogenic or benign to our knowledge

Labcorp Genetics (formerly Invitae), Labcorp
Classification: Uncertain significance for Tuberous sclerosis 2. Last evaluated: 2022-08-09. Review status: criteria provided, single submitter. Criteria: Invitae Variant Classification Sherloc (09022015). Collection method: clinical testing. Allele origin: germline.
Comment: Algorithms developed to predict the effect of missense changes on protein structure and function are either unavailable or do not agree on the potential impact of this missense change (SIFT: "Deleterious"; PolyPhen-2: "Probably Damaging"; Align-GVGD: "Class C0"). This sequence change replaces proline, which is neutral and non-polar, with threonine, which is neutral and polar, at codon 579 of the TSC2 protein (p.Pro579Thr). This variant is not present in population databases (gnomAD no frequency). This variant has not been reported in the literature in individuals affected with TSC2-related conditions. ClinVar contains an entry for this variant (Variation ID: 941133). In summary, the available evidence is currently insufficient to determine the role of this variant in disease. Therefore, it has been classified as a Variant of Uncertain Significance.